The following is an entry in ClinVar:

NM_030962.4(SBF2):c.3761T>C (p.Leu1254Pro)

Gene: SBF2 (SET binding factor 2; minus strand). Cytogenetic location: 11p15.4.
Variant type: single nucleotide variant.
Coding change: c.3761T>C on transcript NM_030962.4 (MANE Select); coding-DNA position 3761, T replaced by C.
Protein change: p.Leu1254Pro; replaces leucine 1254 with proline.
Molecular consequence: missense variant.
Genome position (GRCh38, 1-based): chr11:9,829,388, A>G on the plus strand (T>C on the coding strand, the complement: SBF2 is on the minus strand). VCF-style: chr11-9829388-A-G. GRCh37 (hg19) VCF-style: chr11-9850935-A-G.
Other names: c.3761T>C, p.Leu1254Pro (NM_001386339.1); c.3632T>C, p.Leu1211Pro (NM_001386342.1); short protein forms L1254P, L1211P.
Identifiers: ClinVar variation 306585 (VCV000306585.15), dbSNP rs762211340, ClinGen allele CA5881170.
Genomic context (GRCh38, chr11:9,829,388, plus strand): 5'-CAAGAAGAAAAGTATTATCAAATCTTACCTGGAGATAGAGCAAAGGCTGGCCTGACAGTA[A>G]GAGTGCTGTTGCCTCTGAGTTTCTGATGGACAGAAACAGCATTCAGTAAGGCTTGCAAGT-3'
Protein context (NP_112224.1, residues 1244-1264): VHQKLRGNST[Leu1254Pro]TVRPAFALSP

ClinVar aggregate classification (germline): Uncertain significance. Review status: criteria provided, multiple submitters, no conflicts (2 of 4 stars). 4 submissions from 4 submitters: Uncertain significance (4). Last evaluated 2025-10-27.

Conditions:
Charcot-Marie-Tooth disease type 4. Also called: Charcot-Marie-Tooth disease, type IV; Charcot-Marie-Tooth, Type 4. Identifiers: Orphanet 64749, MedGen C4082197, MONDO:0018995.
Charcot-Marie-Tooth disease type 4B2. Also called: Charcot-Marie-Tooth Neuropathy Type 4B2; CHARCOT-MARIE-TOOTH DISEASE, WITH FOCALLY FOLDED MYELIN SHEATHS, AUTOSOMAL RECESSIVE, TYPE 4B2; CMT 4B2; CHARCOT-MARIE-TOOTH DISEASE, DEMYELINATING, TYPE 4B2. Identifiers: Orphanet 99956, MedGen C1858278, MONDO:0011475, OMIM 604563.
Inborn genetic diseases. Identifiers: MedGen C0950123, MeSH D030342.

Allele frequency attached by ClinVar (database versions not stated): gnomAD below 0.00001 and 0.00001; TOPMed 0.00002; gnomAD exomes 0.00003 and 0.00004; ExAC 0.00007.
gnomAD v4.1: 39 of 1,614,102 alleles (0.0024%); highest among the groups gnomAD compares: South Asian, 0.042%; no homozygotes.

Submissions (4):

Women's Health and Genetics/Laboratory Corporation of America, LabCorp
Classification: Uncertain significance. Last evaluated: 2025-10-27. Review status: criteria provided, single submitter. Criteria: LabCorp Variant Classification Summary - May 2015. Collection method: clinical testing. Allele origin: germline.
Comment: Variant summary: SBF2 c.3761T>C (p.Leu1254Pro) results in a non-conservative amino acid change in the encoded protein sequence. Algorithms developed to predict the effect of missense changes on protein structure and function all suggest that this variant is likely to be disruptive. The variant allele was found at a frequency of 4.4e-05 in 251418 control chromosomes. This frequency is not significantly higher than estimated for disease-causing variants in SBF2, allowing no conclusion about variant significance. To our knowledge, no occurrence of c.3761T>C in individuals affected with SBF2-related conditions and no experimental evidence demonstrating its impact on protein function have been reported. ClinVar contains an entry for this variant (Variation ID: 306585). Based on the evidence outlined above, the variant was classified as uncertain significance.

Labcorp Genetics (formerly Invitae), Labcorp
Classification: Uncertain significance for Charcot-Marie-Tooth disease type 4. Last evaluated: 2024-09-19. Review status: criteria provided, single submitter. Criteria: Invitae Variant Classification Sherloc (09022015). Collection method: clinical testing. Allele origin: germline.
Comment: This sequence change replaces leucine, which is neutral and non-polar, with proline, which is neutral and non-polar, at codon 1254 of the SBF2 protein (p.Leu1254Pro). This variant is present in population databases (rs762211340, gnomAD 0.04%). This variant has not been reported in the literature in individuals affected with SBF2-related conditions. ClinVar contains an entry for this variant (Variation ID: 306585). Invitae Evidence Modeling of protein sequence and biophysical properties (such as structural, functional, and spatial information, amino acid conservation, physicochemical variation, residue mobility, and thermodynamic stability) indicates that this missense variant is not expected to disrupt SBF2 protein function with a negative predictive value of 80%. In summary, the available evidence is currently insufficient to determine the role of this variant in disease. Therefore, it has been classified as a Variant of Uncertain Significance.

Ambry Genetics
Classification: Uncertain significance for Inborn genetic diseases. Last evaluated: 2020-11-25. Review status: criteria provided, single submitter. Criteria: Ambry Variant Classification Scheme 2023. Collection method: clinical testing. Allele origin: germline.
Comment: The p.L1254P variant (also known as c.3761T>C), located in coding exon 28 of the SBF2 gene, results from a T to C substitution at nucleotide position 3761. The leucine at codon 1254 is replaced by proline, an amino acid with similar properties. This amino acid position is well conserved in available vertebrate species. In addition, the in silico prediction for this alteration is inconclusive. Since supporting evidence is limited at this time, the clinical significance of this alteration remains unclear.

Illumina Laboratory Services, Illumina
Classification: Uncertain significance for Charcot-Marie-Tooth disease type 4B2. Last evaluated: 2018-01-12. Review status: criteria provided, single submitter. Criteria: ICSL Variant Classification Criteria 13 December 2019. Collection method: clinical testing. Allele origin: germline.